The following is an entry in ClinVar:

NM_003823.4(TNFRSF6B):c.634G>C (p.Glu212Gln)

Genes: RTEL1-TNFRSF6B (RTEL1-TNFRSF6B readthrough (NMD candidate); plus strand), TNFRSF6B (TNF receptor superfamily member 6b; plus strand). Cytogenetic location: 20q13.33.
Variant type: single nucleotide variant.
Coding change: c.634G>C on transcript NM_003823.4 (MANE Select); coding-DNA position 634, G replaced by C.
Protein change: p.Glu212Gln; replaces glutamic acid 212 with glutamine.
Molecular consequence: missense variant. On other transcripts: non-coding transcript variant (1).
Genome position (GRCh38, 1-based): chr20:63,698,294, G>C. VCF-style: chr20-63698294-G-C. GRCh37 (hg19) VCF-style: chr20-62329647-G-C.
Other names: c.634G>C (NM_003823.3); short protein forms E212Q.
Identifiers: ClinVar variation 1433076 (VCV001433076.2), dbSNP rs764404347, ClinGen allele CA409711869.

ClinVar aggregate classification (germline): Uncertain significance. Review status: criteria provided, multiple submitters, no conflicts (2 of 4 stars). 2 submissions from 2 submitters: Uncertain significance (2). Last evaluated 2025-10-29.

Submissions (2):

Ambry Genetics
Classification: Uncertain significance. Last evaluated: 2025-10-29. Review status: criteria provided, single submitter. Criteria: Ambry Variant Classification Scheme 2023. Collection method: clinical testing. Allele origin: germline.

Labcorp Genetics (formerly Invitae), Labcorp
Classification: Uncertain significance. Last evaluated: 2021-11-27. Review status: criteria provided, single submitter. Criteria: Invitae Variant Classification Sherloc (09022015). Collection method: clinical testing. Allele origin: germline.
Comment: This sequence change replaces glutamic acid, which is acidic and polar, with glutamine, which is neutral and polar, at codon 212 of the TNFRSF6B protein (p.Glu212Gln). This variant is present in population databases (no rsID available, gnomAD 0.007%). This variant has not been reported in the literature in individuals affected with TNFRSF6B-related conditions. Algorithms developed to predict the effect of missense changes on protein structure and function output the following: SIFT: "Deleterious"; PolyPhen-2: "Benign"; Align-GVGD: "Class C0". The glutamine amino acid residue is found in multiple mammalian species, which suggests that this missense change does not adversely affect protein function. In summary, the available evidence is currently insufficient to determine the role of this variant in disease. Therefore, it has been classified as a Variant of Uncertain Significance.